The following is an entry in ClinVar:

ClinVar aggregate classification (germline): Uncertain significance (1 of 4 stars; one submission).

gnomAD v4.1: 1 of 1,613,634 alleles (0.000062%); no homozygotes.

Submission:

GeneDx
Classification: Uncertain significance. Last evaluated: 2022-11-23. Review status: criteria provided, single submitter. Criteria: GeneDx Variant Classification Process June 2021. Collection method: clinical testing. Allele origin: germline. Affected: yes.
Comment: Not observed at significant frequency in large population cohorts (gnomAD); In silico analysis supports that this missense variant does not alter protein structure/function; Has not been previously published as pathogenic or benign to our knowledge

NM_138576.4(BCL11B):c.372T>A (p.Asp124Glu)

Gene: BCL11B (BCL11 transcription factor B; minus strand). Cytogenetic location: 14q32.2.
Variant type: single nucleotide variant.
Coding change: c.372T>A on transcript NM_138576.4 (MANE Select); coding-DNA position 372, T replaced by A.
Protein change: p.Asp124Glu; replaces aspartic acid 124 with glutamic acid.
Molecular consequence: missense variant.
Genome position (GRCh38, 1-based): chr14:99,257,526, A>T on the plus strand (T>A on the coding strand, the complement: BCL11B is on the minus strand). VCF-style: chr14-99257526-A-T. GRCh37 (hg19) VCF-style: chr14-99723863-A-T.
Other names: c.369T>A, p.Asp123Glu (NM_001282237.2, NM_001282238.2); c.372T>A, p.Asp124Glu (NM_022898.3); short protein forms D123E, D124E.
Identifiers: ClinVar variation 2503195 (VCV002503195.1), dbSNP rs912527521, ClinGen allele CA390938732.
Genomic context (GRCh38, chr14:99,257,526, plus strand): 5'-CATACCTGCAATGTTCTCCTGCTTGGGACAGATGCCTTTCGTGGGTGAGAGCAGGTGGTC[A>T]TCTTCGTCGGGGGTGACTTGGATCCCGATCTCCACCGGCTCGGACACTTTCCTGAGCTCG-3'
Protein context (NP_612808.1, residues 114-134): EIGIQVTPDE[Asp124Glu]DHLLSPTKGI